The following is an entry in ClinVar:

NM_206926.2(SELENON):c.443G>A (p.Arg148His)

Gene: SELENON (selenoprotein N; plus strand). Cytogenetic location: 1p36.11.
Variant type: single nucleotide variant.
Coding change: c.443G>A on transcript NM_206926.2 (MANE Select); coding-DNA position 443, G replaced by A.
Protein change: p.Arg148His; replaces arginine 148 with histidine.
Molecular consequence: missense variant.
Genome position (GRCh38, 1-based): chr1:25,808,587, G>A. VCF-style: chr1-25808587-G-A. GRCh37 (hg19) VCF-style: chr1-26135078-G-A.
Other names: p.Arg182His; c.545G>A, p.Arg182His (NM_020451.3); short protein forms R148H, R182H.
Identifiers: ClinVar variation 1005238 (VCV001005238.16), dbSNP rs200224030, ClinGen allele CA696558.
Genomic context (GRCh38, chr1:25,808,587, plus strand): 5'-GACCCCGGAGTCAGGTTCTCAGATTCCTGGAGCTTTGCTTTCCCCCGCCCCAGGTCTCCC[G>A]CCTCGCCCTGTCCGGCCTCCGAAACTGGACAGCCGCCGCCTCACCAAGTGCAGTGTTTGC-3'
Protein context (NP_996809.1, residues 138-158): KSKDGFLGVS[Arg148His]LALSGLRNWT

ClinVar aggregate classification (germline): Uncertain significance. Review status: criteria provided, multiple submitters, no conflicts (2 of 4 stars). 4 submissions from 4 submitters: Uncertain significance (4). Last evaluated 2025-11-19.

Conditions:
Eichsfeld type congenital muscular dystrophy (CMYO3). Also called: Rigid spine muscular dystrophy 1; MYOPATHY, SEPN1-RELATED; SELENON-related myopathy; Congenital myopathy 3 with rigid spine. Identifiers: MedGen C0410180, MONDO:0100100, OMIM 602771.
Inborn genetic diseases. Identifiers: MedGen C0950123, MeSH D030342.

Allele frequency attached by ClinVar (database versions not stated): ExAC 0.00003; gnomAD 0.00003; TOPMed 0.00003; 1000 Genomes Project 0.00020; 1000 Genomes Project 30x 0.00031.
gnomAD v4.1: 22 of 1,613,416 alleles (0.0014%); highest among the groups gnomAD compares: Admixed American, 0.0017%; no homozygotes.

Submissions (4):

Ambry Genetics
Classification: Uncertain significance for Inborn genetic diseases. Last evaluated: 2025-11-19. Review status: criteria provided, single submitter. Criteria: Ambry Variant Classification Scheme 2023. Collection method: clinical testing. Allele origin: germline.

Labcorp Genetics (formerly Invitae), Labcorp
Classification: Uncertain significance for Eichsfeld type congenital muscular dystrophy. Last evaluated: 2024-07-09. Review status: criteria provided, single submitter. Criteria: Invitae Variant Classification Sherloc (09022015). Collection method: clinical testing. Allele origin: germline.
Comment: This sequence change replaces arginine, which is basic and polar, with histidine, which is basic and polar, at codon 182 of the SELENON protein (p.Arg182His). This variant is present in population databases (rs200224030, gnomAD 0.005%). This variant has not been reported in the literature in individuals affected with SELENON-related conditions. ClinVar contains an entry for this variant (Variation ID: 1005238). Advanced modeling of protein sequence and biophysical properties (such as structural, functional, and spatial information, amino acid conservation, physicochemical variation, residue mobility, and thermodynamic stability) performed at Invitae indicates that this missense variant is not expected to disrupt SELENON protein function with a negative predictive value of 95%. In summary, the available evidence is currently insufficient to determine the role of this variant in disease. Therefore, it has been classified as a Variant of Uncertain Significance.

Mayo Clinic Laboratories, Mayo Clinic
Classification: Uncertain significance. Last evaluated: 2021-08-11. Review status: criteria provided, single submitter. Criteria: ACMG Guidelines, 2015. Collection method: clinical testing. Allele origin: germline.

Revvity Omics, Revvity
Classification: Uncertain significance for Eichsfeld type congenital muscular dystrophy. Last evaluated: 2019-06-10. Review status: criteria provided, single submitter. Criteria: ACMG Guidelines, 2015. Collection method: clinical testing. Allele origin: germline.